The following is an entry in ClinVar:

ClinVar aggregate classification (germline): Conflicting classifications of pathogenicity. Review status: criteria provided, conflicting classifications (1 of 4 stars). 3 submissions from 3 submitters: Uncertain significance (1); Benign (1); Likely benign (1). Last evaluated 2025-12-15.

Conditions:
Cardiovascular phenotype. Identifiers: MedGen CN230736.
Duchenne muscular dystrophy (DMD). Also called: Duchenne Muscular Dystrophy (DMD); MUSCULAR DYSTROPHY, PSEUDOHYPERTROPHIC PROGRESSIVE, DUCHENNE TYPE. Identifiers: Orphanet 98896, MedGen C0013264, MONDO:0010679, OMIM 310200.

Allele frequency attached by ClinVar (database versions not stated): ExAC 0.00003; gnomAD 0.00014 and 0.00013; TOPMed 0.00015; gnomAD exomes 0.00003; ESP Exome Variant Server 0.00009.
gnomAD v4.1: 31 of 1,208,698 alleles (0.0026%); highest among the groups gnomAD compares: African/African-American, 0.046%; no homozygotes.

Submissions (3):

Labcorp Genetics (formerly Invitae), Labcorp
Classification: Benign for Duchenne muscular dystrophy. Last evaluated: 2025-12-15. Review status: criteria provided, single submitter. Criteria: Invitae Variant Classification Sherloc (09022015). Collection method: clinical testing. Allele origin: germline.

Mayo Clinic Laboratories, Mayo Clinic
Classification: Likely benign. Last evaluated: 2025-10-18. Review status: criteria provided, single submitter. Criteria: ACMG Guidelines, 2015. Collection method: clinical testing. Allele origin: germline. Observed: 1 variant allele.
Comment: BS2, BP4

Ambry Genetics
Classification: Uncertain significance for Cardiovascular phenotype. Last evaluated: 2025-08-21. Review status: criteria provided, single submitter. Criteria: Ambry Variant Classification Scheme 2023. Collection method: clinical testing. Allele origin: germline.
Comment: The p.G754C variant (also known as c.2260G>T), located in coding exon 18 of the DMD gene, results from a G to T substitution at nucleotide position 2260. The glycine at codon 754 is replaced by cysteine, an amino acid with highly dissimilar properties. Based on data from gnomAD, the T allele has an overall frequency of 0.005% (10/205082) total alleles studied, with 4 hemizygotes observed. The highest observed frequency was 0.047% (9/19042) of African/ African American alleles. This amino acid position is highly conserved in available vertebrate species. In addition, the in silico prediction for this alteration is inconclusive. Based on the available evidence, the clinical significance of this variant remains unclear.

NM_004006.3(DMD):c.2260G>T (p.Gly754Cys)

Gene: DMD (dystrophin; minus strand). Cytogenetic location: Xp21.1.
Variant type: single nucleotide variant.
Coding change: c.2260G>T on transcript NM_004006.3 (MANE Select); coding-DNA position 2260, G replaced by T.
Protein change: p.Gly754Cys; replaces glycine 754 with cysteine.
Molecular consequence: missense variant.
Genome position (GRCh38, 1-based): chrX:32,518,040, C>A on the plus strand (G>T on the coding strand, the complement: DMD is on the minus strand). VCF-style: chrX-32518040-C-A. GRCh37 (hg19) VCF-style: chrX-32536157-C-A.
Other names: p.Gly754Cys; c.2236G>T, p.Gly746Cys (NM_000109.4); c.2248G>T, p.Gly750Cys (NM_004009.3); c.1891G>T, p.Gly631Cys (NM_004010.3); short protein forms G754C, G631C, G746C, G750C.
Identifiers: ClinVar variation 519101 (VCV000519101.19), dbSNP rs369017141, ClinGen allele CA10379590.